The following is an entry in ClinVar:

ClinVar aggregate classification (germline): Likely benign. Review status: criteria provided, multiple submitters, no conflicts (2 of 4 stars). 3 submissions from 3 submitters: Likely benign (3). Last evaluated 2025-07-24.

Allele frequency attached by ClinVar (database versions not stated): gnomAD 0.00002; gnomAD exomes 0.00003; TOPMed 0.00003; ExAC 0.00004.
gnomAD v4.1: 47 of 1,614,138 alleles (0.0029%); highest among the groups gnomAD compares: Middle Eastern, 0.016%; no homozygotes.

Submissions (3):

Labcorp Genetics (formerly Invitae), Labcorp
Classification: Likely benign. Last evaluated: 2025-07-24. Review status: criteria provided, single submitter. Criteria: Invitae Variant Classification Sherloc (09022015). Collection method: clinical testing. Allele origin: germline.

Blueprint Genetics
Classification: Likely benign. Last evaluated: 2024-08-06. Review status: criteria provided, single submitter. Criteria: ACMG Guidelines, 2015. Collection method: clinical testing. Allele origin: germline.

GeneDx
Classification: Likely benign. Last evaluated: 2018-01-30. Review status: criteria provided, single submitter. Criteria: GeneDx Variant Classification (06012015). Collection method: clinical testing. Allele origin: germline. Affected: yes.
Comment: This variant is considered likely benign or benign based on one or more of the following criteria: it is a conservative change, it occurs at a poorly conserved position in the protein, it is predicted to be benign by multiple in silico algorithms, and/or has population frequency not consistent with disease.

NM_001288705.3(CSF1R):c.2460G>A (p.Lys820=)

Gene: CSF1R (colony stimulating factor 1 receptor; minus strand). Cytogenetic location: 5q32.
Variant type: single nucleotide variant.
Coding change: c.2460G>A on transcript NM_001288705.3 (MANE Select); coding-DNA position 2460, G replaced by A.
Protein change: p.Lys820=; no amino-acid change (lysine 820 retained).
Molecular consequence: synonymous variant. On other transcripts: non-coding transcript variant (2).
Genome position (GRCh38, 1-based): chr5:150,056,120, C>T on the plus strand (G>A on the coding strand, the complement: CSF1R is on the minus strand). VCF-style: chr5-150056120-C-T. GRCh37 (hg19) VCF-style: chr5-149435683-C-T.
Other names: c.2460G>A, p.Lys820= (NM_001349736.2, NM_001375320.1, NM_005211.4); c.2016G>A, p.Lys672= (NM_001375321.1).
Identifiers: ClinVar variation 515333 (VCV000515333.9), dbSNP rs531754207, ClinGen allele CA3506426.